The following is an entry in ClinVar:

ClinVar aggregate classification (germline): Pathogenic (1 of 4 stars; one submission).

Submission:

Quest Diagnostics Nichols Institute San Juan Capistrano
Classification: Pathogenic. Last evaluated: 2025-05-29. Review status: criteria provided, single submitter. Criteria: ACMG/ClinGen CNV Guidelines, 2019. Collection method: clinical testing. Allele origin: unknown.
Comment: This deletion involves multiple protein-coding genes, including TBX6 (OMIM 602427). This recurrent deletion is associated with the proximal (BP4-BP5) 16p11.2 microdeletion syndrome (OMIM 611913; ISCA-37400) (Taylor 2021). Inheritance from an unaffected or mildly affected parent has been reported, suggesting incomplete penetrance and variable expressivity (Taylor 2021). This copy number variant is classified as pathogenic with variable phenotypic expressivity and reduced penetrance. References: Taylor et al. GeneReviews [Oct 28 2021]. PMID: 20301775

GRCh37/hg19 16p11.2(chr16:29567295-30177916)x1

Genes: ALDOA (aldolase, fructose-bisphosphate A; plus strand), ASPHD1 (aspartate beta-hydroxylase domain containing 1; plus strand), C16orf54 (chromosome 16 open reading frame 54; minus strand), C16orf92 (chromosome 16 open reading frame 92; plus strand), CDIPT (CDP-diacylglycerol--inositol 3-phosphatidyltransferase; minus strand) and 21 more. Cytogenetic location: 16p11.2.
Variant type: copy number loss.
Change: copy number 1 (one copy instead of two) of chr16:29,567,295-30,177,916 (610.6 kb, GRCh37 coordinates, 1-based), cytogenetic band 16p11.2.
Identifiers: ClinVar variation 564321 (VCV000564321.4).